The following is an entry in ClinVar:

NM_004239.4(TRIP11):c.1265T>C (p.Met422Thr)

Gene: TRIP11 (thyroid hormone receptor interactor 11; minus strand). Cytogenetic location: 14q32.12.
Variant type: single nucleotide variant.
Coding change: c.1265T>C on transcript NM_004239.4 (MANE Select); coding-DNA position 1265, T replaced by C.
Protein change: p.Met422Thr; replaces methionine 422 with threonine.
Molecular consequence: missense variant.
Genome position (GRCh38, 1-based): chr14:92,011,035, A>G on the plus strand (T>C on the coding strand, the complement: TRIP11 is on the minus strand). VCF-style: chr14-92011035-A-G. GRCh37 (hg19) VCF-style: chr14-92477379-A-G.
Other names: c.1262T>C, p.Met421Thr (NM_001321851.1); c.1265T>C (NM_004239.3); short protein forms M422T, M421T.
Identifiers: ClinVar variation 567703 (VCV000567703.10), dbSNP rs200567543, ClinGen allele CA7313977.

ClinVar aggregate classification (germline): Uncertain significance. Review status: criteria provided, multiple submitters, no conflicts (2 of 4 stars). 2 submissions from 2 submitters: Uncertain significance (2). Last evaluated 2024-06-17.

Conditions:
Achondrogenesis, type IA (ACG1A). Identifiers: Orphanet 932, Orphanet 93299, MedGen C0265273, MONDO:0008701, OMIM 200600.
Inborn genetic diseases. Identifiers: MedGen C0950123, MeSH D030342.

Allele frequency attached by ClinVar (database versions not stated): gnomAD 0.00001 and 0.00002; gnomAD exomes 0.00001 and 0.00003; ExAC 0.00002; TOPMed 0.00002; 1000 Genomes Project 30x 0.00016; 1000 Genomes Project 0.00020.
gnomAD v4.1: 45 of 1,613,994 alleles (0.0028%); highest among the groups gnomAD compares: African/African-American, 0.004%; no homozygotes.

Submissions (2):

Ambry Genetics
Classification: Uncertain significance for Inborn genetic diseases. Last evaluated: 2024-06-17. Review status: criteria provided, single submitter. Criteria: Ambry Variant Classification Scheme 2023. Collection method: clinical testing. Allele origin: germline.

Labcorp Genetics (formerly Invitae), Labcorp
Classification: Uncertain significance for Achondrogenesis, type IA. Last evaluated: 2022-03-18. Review status: criteria provided, single submitter. Criteria: Invitae Variant Classification Sherloc (09022015). Collection method: clinical testing. Allele origin: germline.
Comment: In summary, the available evidence is currently insufficient to determine the role of this variant in disease. Therefore, it has been classified as a Variant of Uncertain Significance. Algorithms developed to predict the effect of missense changes on protein structure and function output the following: SIFT: "Not Available"; PolyPhen-2: "Benign"; Align-GVGD: "Not Available". The threonine amino acid residue is found in multiple mammalian species, which suggests that this missense change does not adversely affect protein function. ClinVar contains an entry for this variant (Variation ID: 567703). This variant has not been reported in the literature in individuals affected with TRIP11-related conditions. This variant is present in population databases (rs200567543, gnomAD 0.002%). This sequence change replaces methionine, which is neutral and non-polar, with threonine, which is neutral and polar, at codon 422 of the TRIP11 protein (p.Met422Thr).